The following is an entry in ClinVar:

NM_019066.5(MAGEL2):c.2918C>T (p.Pro973Leu)

Gene: MAGEL2 (MAGE family member L2; minus strand). Cytogenetic location: 15q11.2.
Variant type: single nucleotide variant.
Coding change: c.2918C>T on transcript NM_019066.5 (MANE Select); coding-DNA position 2918, C replaced by T.
Protein change: p.Pro973Leu; replaces proline 973 with leucine.
Molecular consequence: missense variant.
Genome position (GRCh38, 1-based): chr15:23,644,825, G>A on the plus strand (C>T on the coding strand, the complement: MAGEL2 is on the minus strand). VCF-style: chr15-23644825-G-A. GRCh37 (hg19) VCF-style: chr15-23889972-G-A.
Other names: c.2918C>T (NM_019066.4); short protein forms P973L.
Identifiers: ClinVar variation 2415075 (VCV002415075.8), dbSNP rs773146235, ClinGen allele CA7429790.

ClinVar aggregate classification (germline): Uncertain significance. Review status: criteria provided, multiple submitters, no conflicts (2 of 4 stars). 2 submissions from 2 submitters: Uncertain significance (2). Last evaluated 2025-11-25.

Conditions:
MAGEL2-related disorder. Also called: MAGEL2-related condition.

Allele frequency attached by ClinVar (database versions not stated): ExAC 0.00008; TOPMed 0.00009; gnomAD 0.00010.

Submissions (2):

PreventionGenetics, part of Exact Sciences
Classification: Uncertain significance for MAGEL2-related condition. Last evaluated: 2025-11-25. Review status: criteria provided, single submitter. Criteria: ACMG Guidelines, 2015. Collection method: clinical testing. Allele origin: germline.
Comment: The MAGEL2 c.2918C>T variant is predicted to result in the amino acid substitution p.Pro973Leu. To our knowledge, this variant has not been reported in the literature. This variant is reported in 0.017% of alleles in individuals of African descent in gnomAD. This variant falls within a highly paralogous region and therefore allele frequency data should be interpreted with caution. Although we suspect that this variant may be benign, at this time, the clinical significance of this variant is uncertain due to the absence of conclusive functional and genetic evidence.

Labcorp Genetics (formerly Invitae), Labcorp
Classification: Uncertain significance. Last evaluated: 2025-09-21. Review status: criteria provided, single submitter. Criteria: Invitae Variant Classification Sherloc (09022015). Collection method: clinical testing. Allele origin: germline.
Comment: This sequence change replaces proline, which is neutral and non-polar, with leucine, which is neutral and non-polar, at codon 973 of the MAGEL2 protein (p.Pro973Leu). This variant is present in population databases (rs773146235, gnomAD 0.02%). This variant has not been reported in the literature in individuals affected with MAGEL2-related conditions. ClinVar contains an entry for this variant (Variation ID: 2415075). An algorithm developed to predict the effect of missense changes on protein structure and function outputs the following: PolyPhen-2: "Not Available". The leucine amino acid residue is found in multiple mammalian species, which suggests that this missense change does not adversely affect protein function. In summary, the available evidence is currently insufficient to determine the role of this variant in disease. Therefore, it has been classified as a Variant of Uncertain Significance.